The following is an entry in ClinVar:

NM_001111.5(ADAR):c.215G>A (p.Arg72Gln)

Gene: ADAR (adenosine deaminase RNA specific; minus strand). Cytogenetic location: 1q21.3.
Variant type: single nucleotide variant.
Coding change: c.215G>A on transcript NM_001111.5 (MANE Select); coding-DNA position 215, G replaced by A.
Protein change: p.Arg72Gln; replaces arginine 72 with glutamine.
Molecular consequence: missense variant. On other transcripts: 5 prime UTR variant (6).
Genome position (GRCh38, 1-based): chr1:154,602,427, C>T on the plus strand (G>A on the coding strand, the complement: ADAR is on the minus strand). VCF-style: chr1-154602427-C-T. GRCh37 (hg19) VCF-style: chr1-154574903-C-T.
Other names: c.-671G>A (NM_001025107.3, NM_001193495.2, NM_001365048.1); c.242G>A, p.Arg81Gln (NM_001365045.1); c.-535G>A (NM_001365046.1, NM_001365047.1, NM_001365049.1); c.215G>A, p.Arg72Gln (NM_015840.4, NM_015841.4); short protein forms R72Q, R81Q.
Identifiers: ClinVar variation 959108 (VCV000959108.7), dbSNP rs200754665, ClinGen allele CA1131738.
Genomic context (GRCh38, chr1:154,602,427, plus strand): 5'-CCCCTGATGTCCACTTGCCTGCCTCTGGTACTGGAGGCAAGTAGTACTGGAAACCTTGGC[C>T]GGAGTCCTGGGAGGGAAGGTGGCAGTGACGGTGTCTGCTTTCCAATCACCGGTGCTTCTG-3'
Protein context (NP_001102.3, residues 62-82): PSLPPSLPGL[Arg72Gln]PRFPVLLASS

ClinVar aggregate classification (germline): Uncertain significance (1 of 4 stars; one submission).

Conditions:
Symmetrical dyschromatosis of extremities (DSH). Also called: RETICULATE ACROPIGMENTATION OF DOHI; SYMMETRIC DYSCHROMATOSIS OF THE EXTREMITIES; Dyschromatosis symmetrica hereditaria; DYSCHROMATOSIS SYMMETRICA HEREDITARIA 1. Identifiers: Orphanet 41, MedGen C0406775, MONDO:0007483, OMIM 127400.
Aicardi-Goutieres syndrome 6 (AGS6). Identifiers: Orphanet 51, MedGen C3539013, MONDO:0014007, OMIM 615010.

Allele frequency attached by ClinVar (database versions not stated): TOPMed below 0.00001; gnomAD 0.00001; gnomAD exomes 0.00002 and 0.00003; ExAC 0.00004; ESP Exome Variant Server 0.00015.
gnomAD v4.1: 27 of 1,609,326 alleles (0.0017%); highest among the groups gnomAD compares: Admixed American, 0.0033%; no homozygotes.

Submission:

Labcorp Genetics (formerly Invitae), Labcorp
Classification: Uncertain significance for Aicardi-Goutieres syndrome 6; Symmetrical dyschromatosis of extremities. Last evaluated: 2025-04-10. Review status: criteria provided, single submitter. Criteria: Invitae Variant Classification Sherloc (09022015). Collection method: clinical testing. Allele origin: germline.
Comment: This sequence change replaces arginine, which is basic and polar, with glutamine, which is neutral and polar, at codon 72 of the ADAR protein (p.Arg72Gln). This variant is present in population databases (rs200754665, gnomAD 0.005%). This variant has not been reported in the literature in individuals affected with ADAR-related conditions. ClinVar contains an entry for this variant (Variation ID: 959108). An algorithm developed to predict the effect of missense changes on protein structure and function outputs the following: PolyPhen-2: "Benign". The glutamine amino acid residue is found in multiple mammalian species, which suggests that this missense change does not adversely affect protein function. In summary, the available evidence is currently insufficient to determine the role of this variant in disease. Therefore, it has been classified as a Variant of Uncertain Significance.